The following is an entry in ClinVar:

ClinVar aggregate classification (germline): Uncertain significance. Review status: criteria provided, multiple submitters, no conflicts (2 of 4 stars). 2 submissions from 2 submitters: Uncertain significance (2). Last evaluated 2025-08-10.

Conditions:
Combined oxidative phosphorylation defect type 17. Also called: Combined oxidative phosphorylation deficiency 17. Identifiers: Orphanet 369913, MedGen C3809526, MONDO:0014190, OMIM 615440.
Inborn genetic diseases. Identifiers: MedGen C0950123, MeSH D030342.

Allele frequency attached by ClinVar (database versions not stated): ExAC 0.00002; ESP Exome Variant Server 0.00008; gnomAD exomes 0.00003; TOPMed 0.00003; gnomAD 0.00004 and 0.00005.
gnomAD v4.1: 48 of 1,614,050 alleles (0.003%); highest among the groups gnomAD compares: Admixed American, 0.0033%; no homozygotes.

Submissions (2):

Ambry Genetics
Classification: Uncertain significance for Inborn genetic diseases. Last evaluated: 2025-08-10. Review status: criteria provided, single submitter. Criteria: Ambry Variant Classification Scheme 2023. Collection method: clinical testing. Allele origin: germline.

Labcorp Genetics (formerly Invitae), Labcorp
Classification: Uncertain significance for Combined oxidative phosphorylation defect type 17. Last evaluated: 2023-08-16. Review status: criteria provided, single submitter. Criteria: Invitae Variant Classification Sherloc (09022015). Collection method: clinical testing. Allele origin: germline.
Comment: This sequence change replaces glutamic acid, which is acidic and polar, with lysine, which is basic and polar, at codon 741 of the ELAC2 protein (p.Glu741Lys). This variant is present in population databases (rs376277988, gnomAD 0.05%). This variant has not been reported in the literature in individuals affected with ELAC2-related conditions. ClinVar contains an entry for this variant (Variation ID: 1440678). Advanced modeling of protein sequence and biophysical properties (such as structural, functional, and spatial information, amino acid conservation, physicochemical variation, residue mobility, and thermodynamic stability) performed at Invitae indicates that this missense variant is not expected to disrupt ELAC2 protein function. In summary, the available evidence is currently insufficient to determine the role of this variant in disease. Therefore, it has been classified as a Variant of Uncertain Significance.

NM_018127.7(ELAC2):c.2221G>A (p.Glu741Lys)

Gene: ELAC2 (elaC ribonuclease Z 2; minus strand). Cytogenetic location: 17p12.
Variant type: single nucleotide variant.
Coding change: c.2221G>A on transcript NM_018127.7 (MANE Select); coding-DNA position 2221, G replaced by A.
Protein change: p.Glu741Lys; replaces glutamic acid 741 with lysine.
Molecular consequence: missense variant.
Genome position (GRCh38, 1-based): chr17:12,993,719, C>T on the plus strand (G>A on the coding strand, the complement: ELAC2 is on the minus strand). VCF-style: chr17-12993719-C-T. GRCh37 (hg19) VCF-style: chr17-12897036-C-T.
Other names: c.2221G>A (NM_018127.6); c.2101G>A, p.Glu701Lys (NM_001165962.2); c.2218G>A, p.Glu740Lys (NM_173717.2); short protein forms E701K, E741K, E740K.
Identifiers: ClinVar variation 1440678 (VCV001440678.5), dbSNP rs376277988, ClinGen allele CA8400884.